The following is an entry in ClinVar:

ClinVar aggregate classification (germline): Likely pathogenic (1 of 4 stars; one submission).

Conditions:
Retinitis pigmentosa 25 (RP25). Identifiers: Orphanet 791, MedGen C1864446, MONDO:0011272, OMIM 602772.

Submission:

Natera, Inc.
Classification: Likely pathogenic for Retinitis pigmentosa type 25. Last evaluated: 2025-08-26. Review status: criteria provided, single submitter. Criteria: Natera Variant Classification Schema (03/2026). Collection method: clinical testing. Allele origin: germline.
Comment: The c.361G>T variant in EYS is a nonsense variant predicted to introduce a stop codon at amino acid 121. This variant is expected to result in nonsense mediated decay, truncation, or a dysfunctional protein product. This variant is rare in the general population with a frequency below the threshold expected for the associated phenotype(s). Given the available evidence, this variant is classified as Likely Pathogenic.

NM_001142800.2(EYS):c.361G>T (p.Glu121Ter)

Gene: EYS (EGF-like photoreceptor maintenance factor; minus strand). Cytogenetic location: 6q12.
Variant type: single nucleotide variant.
Coding change: c.361G>T on transcript NM_001142800.2 (MANE Select); coding-DNA position 361, G replaced by T.
Protein change: p.Glu121Ter; replaces glutamic acid 121 with a stop codon.
Molecular consequence: nonsense.
Genome position (GRCh38, 1-based): chr6:65,495,050, C>A on the plus strand (G>T on the coding strand, the complement: EYS is on the minus strand). VCF-style: chr6-65495050-C-A. GRCh37 (hg19) VCF-style: chr6-66204943-C-A.
Other names: c.361G>T, p.Glu121Ter (NM_001142801.2, NM_001292009.2, NM_198283.2); short protein forms E121*.
Identifiers: ClinVar variation 4814632 (VCV004814632.1).